The following is an entry in ClinVar:

ClinVar aggregate classification (germline): Uncertain significance (1 of 4 stars; one submission).

Conditions:
Inborn genetic diseases. Identifiers: MedGen C0950123, MeSH D030342.

Submission:

Ambry Genetics
Classification: Uncertain significance for Inborn genetic diseases. Last evaluated: 2025-05-08. Review status: criteria provided, single submitter. Criteria: Ambry Variant Classification Scheme 2023. Collection method: clinical testing. Allele origin: germline.
Comment: The p.A78E variant (also known as c.233C>A), located in coding exon 1 of the WT1 gene, results from a C to A substitution at nucleotide position 233. The alanine at codon 78 is replaced by glutamic acid, an amino acid with dissimilar properties. This amino acid position is conserved. In addition, this alteration is predicted to be tolerated by in silico analysis. Based on the available evidence, the clinical significance of this variant remains unclear.

NM_024426.6(WT1):c.248C>A (p.Ala83Glu)

Genes: WT1 (WT1 transcription factor; minus strand), LOC107982234 (WT1/WT1-AS bi-directional promoter region; plus strand). Cytogenetic location: 11p13.
Variant type: single nucleotide variant.
Coding change: c.248C>A on transcript NM_024426.6 (MANE Select); coding-DNA position 248, C replaced by A.
Protein change: p.Ala83Glu; replaces alanine 83 with glutamic acid.
Molecular consequence: missense variant. On other transcripts: non-coding transcript variant (2).
Genome position (GRCh38, 1-based): chr11:32,435,113, G>T on the plus strand (C>A on the coding strand, the complement: WT1 is on the minus strand). VCF-style: chr11-32435113-G-T. GRCh37 (hg19) VCF-style: chr11-32456659-G-T.
Other names: c.248C>A, p.Ala83Glu (NM_000378.6, NM_001407044.1, NM_001407045.1 and 6 more transcripts); c.29C>A, p.Ala10Glu (NM_001429031.1, NM_001429032.1, NM_001429033.1 and 1 more transcripts); short protein forms A78E, A83E, A10E.
Identifiers: ClinVar variation 3982466 (VCV003982466.1).